The following is an entry in ClinVar:

NM_000429.3(MAT1A):c.*1268T>C

Gene: MAT1A (methionine adenosyltransferase 1A; minus strand). Cytogenetic location: 10q22.3.
Variant type: single nucleotide variant.
Coding change: c.*1268T>C on transcript NM_000429.3 (MANE Select); 1268 bases downstream of the stop codon, T replaced by C.
Molecular consequence: 3 prime UTR variant.
Genome position (GRCh38, 1-based): chr10:80,272,513, A>G on the plus strand (T>C on the coding strand, the complement: MAT1A is on the minus strand). VCF-style: chr10-80272513-A-G. GRCh37 (hg19) VCF-style: chr10-82032269-A-G.
Identifiers: ClinVar variation 301157 (VCV000301157.5), dbSNP rs146819443, ClinGen allele CA10636577.

ClinVar aggregate classification (germline): Likely benign (1 of 4 stars; one submission).

Conditions:
Hepatic methionine adenosyltransferase deficiency. Also called: MAT I/III DEFICIENCY; Deficiency of methionine adenosyltransferase; Methionine adenosyltransferase deficiency; Isolated Persistent Hypermethioninemia. Identifiers: Orphanet 168598, MedGen C0268621, MeSH C564683, MONDO:0009607, OMIM 250850.

Allele frequency attached by ClinVar (database versions not stated): TOPMed 0.00286; 1000 Genomes Project 30x 0.00250; 1000 Genomes Project 0.00260; gnomAD 0.00284.

Submission:

Illumina Laboratory Services, Illumina
Classification: Likely benign for Hepatic methionine adenosyltransferase deficiency. Last evaluated: 2018-01-13. Review status: criteria provided, single submitter. Criteria: ICSL Variant Classification Criteria 13 December 2019. Collection method: clinical testing. Allele origin: germline.
Comment: This variant was observed in the ICSL laboratory as part of a predisposition screen in an ostensibly healthy population. It had not been previously curated by ICSL or reported in the Human Gene Mutation Database (HGMD: prior to June 1st, 2018), and was therefore a candidate for classification through an automated scoring system. Utilizing variant allele frequency, disease prevalence and penetrance estimates, and inheritance mode, an automated score was calculated to assess if this variant is too frequent to cause the disease. Based on the score and internal cut-off values, a variant classified as likely benign is not then subjected to further curation. The score for this variant resulted in a classification of likely benign for this disease.